The following is an entry in ClinVar:

NM_000530.8(MPZ):c.159G>A (p.Trp53Ter)

Gene: MPZ (myelin protein zero; minus strand). Cytogenetic location: 1q23.3.
Variant type: single nucleotide variant.
Coding change: c.159G>A on transcript NM_000530.8 (MANE Select); coding-DNA position 159, G replaced by A.
Protein change: p.Trp53Ter; replaces tryptophan 53 with a stop codon.
Molecular consequence: nonsense.
Genome position (GRCh38, 1-based): chr1:161,307,333, C>T on the plus strand (G>A on the coding strand, the complement: MPZ is on the minus strand). VCF-style: chr1-161307333-C-T. GRCh37 (hg19) VCF-style: chr1-161277123-C-T.
Other names: c.159G>A (LRG_256t1); c.159G>A, p.Trp53Ter (NM_001315491.2); short protein forms W53*.
Identifiers: ClinVar variation 640717 (VCV000640717.6), dbSNP rs1571820100, ClinGen allele CA343351090.

ClinVar aggregate classification (germline): Pathogenic (1 of 4 stars; one submission).

Conditions:
Charcot-Marie-Tooth disease, type I (CMT1). Also called: Charcot-Marie-Tooth, Type 1; Charcot-Marie-Tooth disease type 1. Identifiers: Orphanet 65753, MedGen C0751036, MONDO:0019011.

Submission:

Labcorp Genetics (formerly Invitae), Labcorp
Classification: Pathogenic for Charcot-Marie-Tooth disease, type I. Last evaluated: 2018-08-26. Review status: criteria provided, single submitter. Criteria: Invitae Variant Classification Sherloc (09022015). Collection method: clinical testing. Allele origin: germline.
Comment: For these reasons, this variant has been classified as Pathogenic. Loss-of-function variants in MPZ are known to be pathogenic (PMID: 14711881). This variant has not been reported in the literature in individuals with MPZ-related disease. This variant is not present in population databases (ExAC no frequency). This sequence change creates a premature translational stop signal (p.Trp53*) in the MPZ gene. It is expected to result in an absent or disrupted protein product.

Literature cited by the submitters: PubMed 14711881.